The following is an entry in ClinVar:

ClinVar aggregate classification (germline): Pathogenic/Likely pathogenic. Review status: criteria provided, multiple submitters, no conflicts (2 of 4 stars). 3 submissions from 3 submitters: Pathogenic (2); Likely pathogenic (1). Last evaluated 2023-09-22.

Conditions:
Lynch syndrome. Identifiers: Orphanet 144, MedGen C4552100, MONDO:0005835. Disease mechanism: loss of function.

Submissions (3):

Clinical Genetics Laboratory, Skane University Hospital Lund
Classification: Pathogenic. Last evaluated: 2023-09-22. Review status: criteria provided, single submitter. Criteria: ACMG Guidelines, 2015. Collection method: clinical testing. Allele origin: germline. Affected: yes.

Laboratory for Molecular Medicine, Mass General Brigham Personalized Medicine
Classification: Likely pathogenic for Lynch syndrome. Last evaluated: 2020-05-13. Review status: criteria provided, single submitter. Criteria: ACMG Guidelines, 2015. Collection method: clinical testing. Allele origin: germline.
Comment: The p.Asn1065LysfsX5 variant in MSH6 has been reported in an individual with Lynch syndrome (Sjursen 2010) and was absent from large population studies. This variant has also been reported in ClinVar (Variation ID 89350). This variant is predicted to cause a frameshift, which alters the protein’s amino acid sequence beginning at position 1065 and leads to a premature termination codon five amino acids downstream. This alteration is then predicted to lead to a truncated or absent protein. Loss of function of the MSH6 gene is an established disease mechanism in autosomal dominant Lynch syndrome. In summary, although additional studies are required to fully establish its clinical significance, this variant meets criteria to be classified as likely pathogenic for autosomal dominant Lynch syndrome. ACMG/AMP Criteria applied: PVS1, PM2

Clinical Genetics and Genomics, Karolinska University Hospital
Classification: Pathogenic. Last evaluated: 2016-07-14. Review status: criteria provided, single submitter. Criteria: ACMG Guidelines, 2015. Collection method: clinical testing. Allele origin: germline. Affected: yes. Observed: 1 variant allele.

Literature cited by the submitters: PubMed 20587412 (cited by Laboratory for Molecular Medicine, Mass General Brigham Personalized Medicine).

NM_000179.3(MSH6):c.3195_3199del (p.Asn1065fs)

Gene: MSH6 (mutS homolog 6; plus strand). Cytogenetic location: 2p16.3.
Variant type: Deletion.
Coding change: c.3195_3199del on transcript NM_000179.3 (MANE Select); coding-DNA positions 3195 to 3199, 5 bases deleted (CTATA; older notation c.3195_3199delCTATA).
Protein change: p.Asn1065fs; shifts the reading frame from asparagine 1065.
Molecular consequence: frameshift variant.
Genome position (GRCh38, 1-based): chr2:47,803,442-47,803,446, CTATA deleted; deleting any 5 consecutive bases within chr2:47,803,441-47,803,446 gives the same sequence; the c. name uses the placement nearest the transcript's 3' end. VCF-style (leftmost placement, unchanged base first): chr2-47803440-AACTAT-A. GRCh37 (hg19) VCF-style: chr2-48030579-AACTAT-A.
Other names: c.2805_2809del, p.Asn935fs (NM_001281492.2); c.2289_2293del, p.Asn763fs (NM_001281493.2, NM_001281494.2); short protein forms N1065fs, N763fs, N935fs.
Identifiers: ClinVar variation 988485 (VCV000988485.4), dbSNP rs1384780420, ClinGen allele CA532705484.